The following is an entry in ClinVar:

ClinVar aggregate classification (germline): Conflicting classifications of pathogenicity. Review status: criteria provided, conflicting classifications (1 of 4 stars). 5 submissions from 5 submitters: Uncertain significance (4); Likely benign (1). Last evaluated 2025-09-24.

Conditions:
Hereditary cancer-predisposing syndrome. Also called: Neoplastic Syndromes, Hereditary; Tumor predisposition; Hereditary neoplastic syndrome; Hereditary Cancer Syndrome. Identifiers: Orphanet 140162, MedGen C0027672, MeSH D009386, MONDO:0015356.

Allele frequency attached by ClinVar (database versions not stated): TOPMed 0.00001.
gnomAD v4.1: 2 of 1,614,196 alleles (0.00012%); highest among the groups gnomAD compares: Non-Finnish European, 0.00017%; no homozygotes.

Submissions (5):

Labcorp Genetics (formerly Invitae), Labcorp
Classification: Uncertain significance. Last evaluated: 2025-09-24. Review status: criteria provided, single submitter. Criteria: Invitae Variant Classification Sherloc (09022015). Collection method: clinical testing. Allele origin: germline.
Comment: This sequence change replaces serine, which is neutral and polar, with asparagine, which is neutral and polar, at codon 1238 of the POLE protein (p.Ser1238Asn). This variant is not present in population databases (gnomAD no frequency). This variant has not been reported in the literature in individuals affected with POLE-related conditions. ClinVar contains an entry for this variant (Variation ID: 252660). An algorithm developed to predict the effect of missense changes on protein structure and function (PolyPhen-2) suggests that this variant is likely to be tolerated. In summary, the available evidence is currently insufficient to determine the role of this variant in disease. Therefore, it has been classified as a Variant of Uncertain Significance.

Ambry Genetics
Classification: Likely benign for Hereditary cancer-predisposing syndrome. Last evaluated: 2025-05-22. Review status: criteria provided, single submitter. Criteria: Ambry Variant Classification Scheme 2023. Collection method: clinical testing. Allele origin: germline.

GeneDx
Classification: Uncertain significance. Last evaluated: 2023-08-09. Review status: criteria provided, single submitter. Criteria: GeneDx Variant Classification Process June 2021. Collection method: clinical testing. Allele origin: germline. Affected: yes.
Comment: Not observed at significant frequency in large population cohorts (gnomAD); In silico analysis supports that this missense variant does not alter protein structure/function; Has not been previously published as pathogenic or benign to our knowledge

Blueprint Genetics
Classification: Uncertain significance. Last evaluated: 2023-04-19. Review status: criteria provided, single submitter. Criteria: ACMG Guidelines, 2015. Collection method: clinical testing. Allele origin: germline.

Genomic Diagnostic Laboratory, Division of Genomic Diagnostics, Children's Hospital of Philadelphia
Classification: Uncertain significance. Last evaluated: 2015-11-24. Review status: criteria provided, single submitter. Criteria: DGD Variant Analysis Guidelines. Collection method: clinical testing. Allele origin: unknown.

NM_006231.4(POLE):c.3713G>A (p.Ser1238Asn)

Gene: POLE (DNA polymerase epsilon, catalytic subunit; minus strand). Cytogenetic location: 12q24.33.
Variant type: single nucleotide variant.
Coding change: c.3713G>A on transcript NM_006231.4 (MANE Select); coding-DNA position 3713, G replaced by A.
Protein change: p.Ser1238Asn; replaces serine 1238 with asparagine.
Molecular consequence: missense variant.
Genome position (GRCh38, 1-based): chr12:132,649,759, C>T on the plus strand (G>A on the coding strand, the complement: POLE is on the minus strand). VCF-style: chr12-132649759-C-T. GRCh37 (hg19) VCF-style: chr12-133226345-C-T.
Other names: c.3713G>A (NM_006231.2); short protein forms S1238N.
Identifiers: ClinVar variation 252660 (VCV000252660.14), dbSNP rs879255392, ClinGen allele CA10586012.
Genomic context (GRCh38, chr12:132,649,759, plus strand): 5'-GGCTGCCCCAAGATTTCCTGCCAGGGCACAGTCGGCGTGAGGTCCTGGGACTCCTCCTGG[C>T]TCTCCCAAAGAACTCGCTTCCTCTTCACAGTGACAGGGGCTGCTGGGTGAGGCAGCTTTA-3'
Protein context (NP_006222.2, residues 1228-1248): TVKRKRVLWE[Ser1238Asn]QEESQDLTPT